The following is an entry in ClinVar:

ClinVar aggregate classification (germline): Uncertain significance. Review status: criteria provided, multiple submitters, no conflicts (2 of 4 stars). 2 submissions from 2 submitters: Uncertain significance (2). Last evaluated 2024-03-06.

Conditions:
Familial thoracic aortic aneurysm and aortic dissection (TAAD). Also called: Thoracic aortic aneurysms and dissections. Identifiers: Orphanet 91387, MedGen C4707243, MONDO:0019625.
Marfan syndrome (MFS). Also called: Marfan syndrome, classic; Marfan syndrome type 1; Marfan's syndrome; FBN1-Related Marfan Syndrome; MARFAN SYNDROME, TYPE I. Identifiers: Orphanet 284963, Orphanet 558, MedGen C0024796, MONDO:0007947, OMIM 154700.

Allele frequency attached by ClinVar (database versions not stated): gnomAD exomes below 0.00001.
gnomAD v4.1: 3 of 1,614,220 alleles (0.00019%); highest among the groups gnomAD compares: South Asian, 0.0033%; no homozygotes.

Submissions (2):

Color Diagnostics, LLC DBA Color Health
Classification: Uncertain significance for Familial thoracic aortic aneurysm and aortic dissection. Last evaluated: 2024-03-06. Review status: criteria provided, single submitter. Criteria: ACMG Guidelines, 2015. Collection method: clinical testing. Allele origin: germline.
Comment: This missense variant replaces glycine with aspartic acid at codon 2727 of the FBN1 protein. Computational prediction is inconclusive regarding the impact of this variant on protein structure and function (internally defined REVEL score threshold 0.5 < inconclusive < 0.7, PMID: 27666373). To our knowledge, functional studies have not been reported for this variant. This variant has not been reported in individuals affected with cardiovascular disorders in the literature. This variant has not been identified in the general population by the Genome Aggregation Database (gnomAD). The available evidence is insufficient to determine the role of this variant in disease conclusively. Therefore, this variant is classified as a Variant of Uncertain Significance.

All of Us Research Program, National Institutes of Health
Classification: Uncertain significance for Marfan syndrome. Last evaluated: 2023-05-04. Review status: criteria provided, single submitter. Criteria: ACMG Guidelines, 2015. Collection method: clinical testing. Allele origin: germline. Inheritance: Autosomal dominant inheritance. Observed: 1 variant allele, 1 heterozygote.
Comment: This missense variant replaces glycine with aspartic acid at codon 2727 of the FBN1 protein. Computational prediction is inconclusive regarding the impact of this variant on protein structure and function (internally defined REVEL score threshold 0.5 < inconclusive < 0.7, PMID: 27666373). To our knowledge, functional studies have not been reported for this variant. This variant has not been reported in individuals affected with cardiovascular disorders in the literature. This variant has not been identified in the general population by the Genome Aggregation Database (gnomAD). The available evidence is insufficient to determine the role of this variant in disease conclusively. Therefore, this variant is classified as a Variant of Uncertain Significance.

This study involves interpretation of variants in research participants for the purpose of population health screening. Participant phenotype was not available at the time of variant classification. Additional details can be found in publication PMID: 35346344, PMCID: PMC8962531

NM_000138.5(FBN1):c.8180G>A (p.Gly2727Asp)

Gene: FBN1 (fibrillin 1; minus strand). Cytogenetic location: 15q21.1.
Variant type: single nucleotide variant.
Coding change: c.8180G>A on transcript NM_000138.5 (MANE Select); coding-DNA position 8180, G replaced by A.
Protein change: p.Gly2727Asp; replaces glycine 2727 with aspartic acid.
Molecular consequence: missense variant.
Genome position (GRCh38, 1-based): chr15:48,412,615, C>T on the plus strand (G>A on the coding strand, the complement: FBN1 is on the minus strand). VCF-style: chr15-48412615-C-T. GRCh37 (hg19) VCF-style: chr15-48704812-C-T.
Other names: short protein forms G2727D.
Identifiers: ClinVar variation 925919 (VCV000925919.6), dbSNP rs2042872481, ClinGen allele CA392320860.